The following is an entry in ClinVar:

ClinVar aggregate classification (germline): Benign. Review status: reviewed by expert panel (3 of 4 stars). 10 submissions from 10 submitters: Benign (1). 9 of the submissions do not count toward it. Last evaluated 2017-05-09.

Conditions:
Noonan syndrome and Noonan-related syndrome. Identifiers: Orphanet 98733, MedGen C5681679, MONDO:0020297.
Cardiovascular phenotype. Identifiers: MedGen CN230736.
RASopathy. Also called: rasopathies; Noonan spectrum disorder. Identifiers: Orphanet 536391, MedGen C5555857, MONDO:0021060.
Hypertrophic cardiomyopathy. Also called: HYPERTROPHIC MYOCARDIOPATHY. Identifiers: Orphanet 217569, MedGen C0007194, MeSH D002312, MONDO:0005045, HP:0001639.

Allele frequency attached by ClinVar (database versions not stated): gnomAD 0.00034 and 0.00049; TOPMed 0.00046; 1000 Genomes Project 0.00240; ExAC 0.00107; gnomAD exomes 0.00027 and 0.00096; 1000 Genomes Project 30x 0.00265.
gnomAD v4.1: 508 of 1,603,844 alleles (0.032%); highest among the groups gnomAD compares: East Asian, 0.68%; 4 homozygotes.

Submissions (10):

ClinGen RASopathy Variant Curation Expert Panel
Classification: Benign for Noonan syndrome and Noonan-related syndrome. Last evaluated: 2017-05-09. Review status: reviewed by expert panel. Criteria: ClinGen RASopathy ACMG Specifications v1. Collection method: curation. Allele origin: germline. Inheritance: Autosomal dominant inheritance.
Comment: The filtering allele frequency of the c.893C>T (p.Pro298Leu) variant in the MAP2K2 gene is 0.953% (68/5776) of East Asian chromosomes by the Exome Aggregation Consortium, which is a high enough frequency to be classified as benign based on thresholds defined by the ClinGen RASopathy Expert Panel (BA1; PMID:29493581)

CeGaT Center for Human Genetics Tuebingen
Classification: Likely benign. Last evaluated: 2026-07-01. Review status: criteria provided, single submitter. Criteria: CeGaT Center For Human Genetics Tuebingen Variant Classification Criteria Version 2. Collection method: clinical testing. Allele origin: germline. Affected: yes. Observed: 2 variant alleles. Not counted in ClinVar's aggregate classification.
Comment: MAP2K2: BS1

Labcorp Genetics (formerly Invitae), Labcorp
Classification: Benign for RASopathy. Last evaluated: 2026-02-01. Review status: criteria provided, single submitter. Criteria: Invitae Variant Classification Sherloc (09022015). Collection method: clinical testing. Allele origin: germline. Not counted in ClinVar's aggregate classification.

Ambry Genetics
Classification: Benign for Cardiovascular phenotype. Last evaluated: 2024-12-23. Review status: criteria provided, single submitter. Criteria: Ambry Variant Classification Scheme 2023. Collection method: clinical testing. Allele origin: germline. Not counted in ClinVar's aggregate classification.

Blueprint Genetics
Classification: Likely benign. Last evaluated: 2024-10-28. Review status: criteria provided, single submitter. Criteria: ACMG Guidelines, 2015. Collection method: clinical testing. Allele origin: germline. Not counted in ClinVar's aggregate classification.

Genome Diagnostics Laboratory, The Hospital for Sick Children
Classification: Benign for Noonan syndrome and Noonan-related syndrome. Last evaluated: 2020-09-23. Review status: criteria provided, single submitter. Criteria: ACMG Guidelines, 2015. Collection method: clinical testing. Allele origin: germline. Not counted in ClinVar's aggregate classification.

Center for Advanced Laboratory Medicine, UC San Diego Health, University of California San Diego
Classification: Benign for Hypertrophic cardiomyopathy. Last evaluated: 2018-03-22. Review status: criteria provided, single submitter. Criteria: ACMG Guidelines, 2015. Collection method: clinical testing. Allele origin: germline. Affected: yes. Observed: 1 variant allele. Not counted in ClinVar's aggregate classification.

Women's Health and Genetics/Laboratory Corporation of America, LabCorp
Classification: Benign. Last evaluated: 2016-10-24. Review status: criteria provided, single submitter. Criteria: LabCorp Variant Classification Summary - May 2015. Collection method: clinical testing. Allele origin: germline. Not counted in ClinVar's aggregate classification.
Comment: Variant summary: The MAP2K2 c.893C>T (p.Pro298Leu) variant involves the alteration of a conserved nucleotide. 3/5 in silico tools predict a damaging outcome for this variant. This variant was found in 79/73910 control chromosomes (2 homozygotes), predominantly observed in the East Asian subpopulation at a frequency of 0.0117729 (68/5776). This frequency greatly exceeds the estimated maximal expected allele frequency of a pathogenic MAP2K2 variant (0.0000025), srong evidence this is a benign polymorphism found primarily in the populations of East Asian origin. In addition, multiple clinical diagnostic laboratories/reputable databases classified this variant as benign. The variant of interest has not, to our knowledge, been reported in affected individuals via publications nor evaluated for functional impact by in vivo/vitro studies. Taken together, this variant is classified as benign.

Laboratory for Molecular Medicine, Mass General Brigham Personalized Medicine
Classification: Benign. Last evaluated: 2015-10-22. Review status: criteria provided, single submitter. Criteria: LMM Criteria. Collection method: clinical testing. Allele origin: germline. Observed: 8 variant alleles. Not counted in ClinVar's aggregate classification.
Comment: p.Pro298Leu in exon 7 of MAP2K2: This variant is not expected to have clinical s ignificance because it has been identified in 1.2% (68/5776) of East Asian chrom osomes, including 2 homozygotes, by the Exome Aggregation Consortium (ExAC; dbSNP rs200371894).

GeneDx
Classification: Benign. Last evaluated: 2015-08-17. Review status: criteria provided, single submitter. Criteria: GeneDx Variant Classification (06012015). Collection method: clinical testing. Allele origin: germline. Affected: yes. Not counted in ClinVar's aggregate classification.
Comment: This variant is considered likely benign or benign based on one or more of the following criteria: it is a conservative change, it occurs at a poorly conserved position in the protein, it is predicted to be benign by multiple in silico algorithms, and/or has population frequency not consistent with disease.

NM_030662.4(MAP2K2):c.893C>T (p.Pro298Leu)

Gene: MAP2K2 (mitogen-activated protein kinase kinase 2; minus strand). Cytogenetic location: 19p13.3.
Variant type: single nucleotide variant.
Coding change: c.893C>T on transcript NM_030662.4 (MANE Select); coding-DNA position 893, C replaced by T.
Protein change: p.Pro298Leu; replaces proline 298 with leucine.
Molecular consequence: missense variant.
Genome position (GRCh38, 1-based): chr19:4,099,227, G>A on the plus strand (C>T on the coding strand, the complement: MAP2K2 is on the minus strand). VCF-style: chr19-4099227-G-A. GRCh37 (hg19) VCF-style: chr19-4099225-G-A.
Other names: p.P298L:CCG>CTG; NM_030662.3(MAP2K2):c.893C>T; short protein forms P298L.
Identifiers: ClinVar variation 40832 (VCV000040832.28), dbSNP rs200371894, ClinGen allele CA180870.